The following is an entry in ClinVar:

NM_000512.5(GALNS):c.3G>A (p.Met1Ile)

Genes: GALNS (galactosamine (N-acetyl)-6-sulfatase; minus strand), TRAPPC2L (trafficking protein particle complex subunit 2L; plus strand), LOC130059762 (ATAC-STARR-seq lymphoblastoid silent region 7883; plus strand). Cytogenetic location: 16q24.3.
Variant type: single nucleotide variant.
Coding change: c.3G>A on transcript NM_000512.5 (MANE Select); coding-DNA position 3, G replaced by A.
Protein change: p.Met1Ile; changes the start codon (methionine 1).
Molecular consequence: missense variant, initiator codon variant. On other transcripts: 5 prime UTR variant (2).
Genome position (GRCh38, 1-based): chr16:88,856,875, C>T on the plus strand (G>A on the coding strand, the complement: GALNS is on the minus strand). VCF-style: chr16-88856875-C-T. GRCh37 (hg19) VCF-style: chr16-88923283-C-T.
Other names: c.-429G>A (NM_001323543.2); c.-150G>A (NM_001323544.2); short protein forms M1I.
Identifiers: ClinVar variation 1048247 (VCV001048247.7), dbSNP rs2143013681, ClinGen allele CA397102293.
Genomic context (GRCh38, chr16:88,856,875, plus strand): 5'-CCCCGCGGCGCTGAGCACCAGCAACAGCTGCCACCACCTCGTCGCCGCGACAACCGCCGC[C>T]ATGGCAACCACGGGAGCCGCGGAGCCCCGGCCAGCGAGCCGACCTAGCGAGCGTCCGCCG-3'
Protein context (NP_000503.1, residues 1-11): [Met1Ile]AAVVAATRWW

ClinVar aggregate classification (germline): Conflicting classifications of pathogenicity. Review status: criteria provided, conflicting classifications (1 of 4 stars). 3 submissions from 3 submitters: Pathogenic (1); Likely pathogenic (1); Uncertain significance (1). Last evaluated 2024-03-16.

Conditions:
Mucopolysaccharidosis, MPS-IV-A (MPS4A). Also called: Mucopolysaccharidosis type IV A; Mucopolysaccharidosis Type IVA; Morquio syndrome A, mild; MORQUIO SYNDROME A; MPS IVA; mucopolysaccharidosis type 4A. Identifiers: Orphanet 309297, Orphanet 582, MedGen C0086651, MONDO:0009659, OMIM 253000.

Allele frequency attached by ClinVar (database versions not stated): gnomAD exomes below 0.00001.
gnomAD v4.1: 1 of 1,508,798 alleles (0.000066%); highest among the groups gnomAD compares: South Asian, 0.0012%; no homozygotes.

Submissions (3):

Labcorp Genetics (formerly Invitae), Labcorp
Classification: Pathogenic for Mucopolysaccharidosis, MPS-IV-A. Last evaluated: 2024-03-16. Review status: criteria provided, single submitter. Criteria: Invitae Variant Classification Sherloc (09022015). Collection method: clinical testing. Allele origin: germline.
Comment: This sequence change affects the initiator methionine of the GALNS mRNA. The next in-frame methionine is located at codon 22. This variant is not present in population databases (gnomAD no frequency). Disruption of the initiator codon has been observed in individual(s) with mucopolysaccharidosis IVA (PMID: 15241807). ClinVar contains an entry for this variant (Variation ID: 1048247). Studies have shown that disruption of the initiator codon alters GALNS gene expression (PMID: 15241807). For these reasons, this variant has been classified as Pathogenic.

Laboratory of Diagnosis and Therapy of Lysosomal Disorders, University of Padova
Classification: Uncertain significance for Mucopolysaccharidosis, MPS-IV-A. Last evaluated: 2021-02-01. Review status: criteria provided, single submitter. Criteria: ACMG Guidelines, 2015. Collection method: curation. Allele origin: germline. Affected: yes.
Comment: In vivo functional studies supportive of a damaging effect on the gene product (low to null enzymatic activity in homozygotes; PS3_supporting); absent from gnomAD v2.1.1 (PM2_moderate)

Neuberg Centre For Genomic Medicine, NCGM
Classification: Likely pathogenic for Mucopolysaccharidosis, MPS-IV-A. Review status: criteria provided, single submitter. Criteria: ACMG Guidelines, 2015. Collection method: clinical testing. Allele origin: germline. Inheritance: Autosomal recessive inheritance. Affected: yes.
Comment: The observed stop lost c.3G>A (p.Met1?) variant in GALNS gene has not been previously reported in homozygous and compound heterozygous state in two individuals affected with mucopolysaccharidosis IVA (Bidchol AM et al. 2014; Dũng VC et al. 2013). Another stop lost variant in the same residue (c.1A>G | p.Met1?) was identified in patient affected with mucopolysaccharidosis IVA (Tomatsu S et al. 2004). The p.Met1? variant is absent in gnomAD Exomes. This variant has been submitted to the ClinVar database as Uncertain Significance. Multiple lines of computational evidence (Polyphen - Benign, SIFT - Damaging and Mutation Taster - Disease causing) predicts conflicting evidence on protein structure and function for this variant. The reference amino acid at this position on GALNS gene is predicted as conserved by GERP++ and PhyloP across 100 vertebrates. The p.Met1? variant is predicted to disrupt the initiation codon, and thus potentially may interfere with protein expression. This variant is predicted to cause loss of normal protein function through protein truncation. Loss of function variants have been previously reported to be disease causing. Functional studies are required to prove the pathogenicity for the variant, for these reasons, this variant has been classified as Likely Pathogenic.

Literature cited by the submitters: PubMed 15241807 (cited by Labcorp Genetics (formerly Invitae), Labcorp); PubMed 23876334 (cited by Laboratory of Diagnosis and Therapy of Lysosomal Disorders, University of Padova); PubMed 25252036 (cited by Laboratory of Diagnosis and Therapy of Lysosomal Disorders, University of Padova); PubMed 34387910 (cited by Laboratory of Diagnosis and Therapy of Lysosomal Disorders, University of Padova).